The following is an entry in ClinVar:

ClinVar aggregate classification (germline): Pathogenic (1 of 4 stars; one submission).

Conditions:
Mucopolysaccharidosis type 1. Also called: IDUA deficiency; MPS I; Mucopolysaccharidosis Type I. Identifiers: Orphanet 579, MedGen C0023786, MONDO:0001586.

Submission:

Myriad Genetics, Inc.
Classification: Pathogenic for Mucopolysaccharidosis type 1. Last evaluated: 2023-09-27. Review status: criteria provided, single submitter. Criteria: Myriad Autosomal Dominant, Autosomal Recessive and X-Linked Classification Criteria (2023). Collection method: clinical testing. Allele origin: unknown.
Comment: NM_000203.3(IDUA):c.1359dupC(V454Rfs*55) is expected to be pathogenic in the context of mucopolysaccharidosis type I. This variant is predicted to lead to an abnormal or absent protein product due to the creation of a premature termination codon in IDUA, a gene where loss-of-function variants are known to be pathogenic. Please note: this variant was assessed in the context of healthy population screening.

NM_000203.5(IDUA):c.1359dup (p.Val454fs)

Gene: IDUA (alpha-L-iduronidase; plus strand). Cytogenetic location: 4p16.3.
Variant type: Duplication.
Coding change: c.1359dup on transcript NM_000203.5 (MANE Select); coding-DNA position 1359, one base duplicated (C; older notation c.1359dupC).
Protein change: p.Val454fs; shifts the reading frame from valine 454.
Molecular consequence: frameshift variant. On other transcripts: non-coding transcript variant (1).
Genome position (GRCh38, 1-based): chr4:1,002,901, C duplicated. VCF-style (leftmost placement, unchanged base first): chr4-1002900-G-GC. GRCh37 (hg19) VCF-style: chr4-996688-G-GC.
Other names: c.963dup, p.Val322fs (NM_001363576.1); short protein forms V322fs, V454fs.
Identifiers: ClinVar variation 5012210 (VCV005012210.1).